The following is an entry in ClinVar:

ClinVar aggregate classification (germline): Likely benign. Review status: criteria provided, multiple submitters, no conflicts (2 of 4 stars). 2 submissions from 2 submitters: Likely benign (2). Last evaluated 2026-06-01.

Conditions:
Short-rib thoracic dysplasia 14 with polydactyly (SRTD14). Identifiers: Orphanet 397715, MedGen C4225286, MONDO:0014688, OMIM 616546.
Joubert syndrome 23 (JBTS23). Identifiers: Orphanet 475, MedGen C4084822, MONDO:0014664, OMIM 616490.

Allele frequency attached by ClinVar (database versions not stated): gnomAD 0.00005; TOPMed 0.00005; gnomAD exomes 0.00007; ExAC 0.00011.
gnomAD v4.1: 86 of 1,610,128 alleles (0.0053%); highest among the groups gnomAD compares: Admixed American, 0.018%; no homozygotes.

Submissions (2):

CeGaT Center for Human Genetics Tuebingen
Classification: Likely benign. Last evaluated: 2026-06-01. Review status: criteria provided, single submitter. Criteria: CeGaT Center For Human Genetics Tuebingen Variant Classification Criteria Version 2. Collection method: clinical testing. Allele origin: germline. Affected: yes. Observed: 1 variant allele.
Comment: KIAA0586: BP4, BP7

Labcorp Genetics (formerly Invitae), Labcorp
Classification: Likely benign for Joubert syndrome 23; Short-rib thoracic dysplasia 14 with polydactyly. Last evaluated: 2025-07-07. Review status: criteria provided, single submitter. Criteria: Invitae Variant Classification Sherloc (09022015). Collection method: clinical testing. Allele origin: germline.

NM_001329943.3(KIAA0586):c.534C>T (p.Thr178=)

Gene: KIAA0586 (KIAA0586; plus strand). Cytogenetic location: 14q23.1.
Variant type: single nucleotide variant.
Coding change: c.534C>T on transcript NM_001329943.3 (MANE Select); coding-DNA position 534, C replaced by T.
Protein change: p.Thr178=; no amino-acid change (threonine 178 retained).
Molecular consequence: synonymous variant.
Genome position (GRCh38, 1-based): chr14:58,442,829, C>T. VCF-style: chr14-58442829-C-T. GRCh37 (hg19) VCF-style: chr14-58909547-C-T.
Other names: c.693C>T, p.Thr231= (NM_001244189.2); c.489C>T, p.Thr163= (NM_001244190.2); c.279C>T, p.Thr93= (NM_001244191.2, NM_001329945.2, NM_001364700.1 and 1 more transcripts); c.402C>T, p.Thr134= (NM_001244192.2); c.114C>T, p.Thr38= (NM_001244193.2); c.534C>T, p.Thr178= (NM_001329944.2, NM_001329946.2, NM_001329947.2 and 1 more transcripts).
Identifiers: ClinVar variation 715158 (VCV000715158.10), dbSNP rs762154780, ClinGen allele CA7205418.